The following is an entry in ClinVar:

NM_001458.5(FLNC):c.5374G>A (p.Ala1792Thr)

Genes: FLNC-AS1 (FLNC antisense RNA 1; minus strand), FLNC (filamin C; plus strand). Cytogenetic location: 7q32.1.
Variant type: single nucleotide variant.
Coding change: c.5374G>A on transcript NM_001458.5 (MANE Select); coding-DNA position 5374, G replaced by A.
Protein change: p.Ala1792Thr; replaces alanine 1792 with threonine.
Molecular consequence: missense variant.
Genome position (GRCh38, 1-based): chr7:128,850,459, G>A. VCF-style: chr7-128850459-G-A. GRCh37 (hg19) VCF-style: chr7-128490513-G-A.
Other names: p.Ala1792Thr; c.5275G>A, p.Ala1759Thr (NM_001127487.2); short protein forms A1792T, A1759T.
Identifiers: ClinVar variation 258147 (VCV000258147.21), dbSNP rs201348102, ClinGen allele CA4475666.

ClinVar aggregate classification (germline): Likely benign. Review status: criteria provided, multiple submitters, no conflicts (2 of 4 stars). 8 submissions from 8 submitters: Likely benign (8). Last evaluated 2026-09-01.

Conditions:
Hypertrophic cardiomyopathy 26. Also called: Cardiomyopathy, familial hypertrophic, 26. Identifiers: Orphanet 75249, MedGen C4310749, MONDO:0014883, OMIM 617047.
Distal myopathy with posterior leg and anterior hand involvement. Also called: WILLIAMS DISTAL MYOPATHY. Identifiers: Orphanet 63273, MedGen C3279722, MONDO:0013550, OMIM 614065.
Myofibrillar myopathy 5. Also called: Filaminopathy (type); FILAMINOPATHY, AUTOSOMAL DOMINANT. Identifiers: Orphanet 171445, MedGen C1836050, MONDO:0012289, OMIM 609524.
Cardiovascular phenotype. Identifiers: MedGen CN230736.
Cardiomyopathy (CMYO). Also called: Cardiomyopathies. Identifiers: Orphanet 167848, MedGen C0878544, MONDO:0004994, HP:0001638. Inheritance: Various modes of inheritance.

Allele frequency attached by ClinVar (database versions not stated): gnomAD 0.00025 and 0.00028; gnomAD exomes 0.00025 and 0.00040; TOPMed 0.00027; ESP Exome Variant Server 0.00033; ExAC 0.00039.
gnomAD v4.1: 616 of 1,613,514 alleles (0.038%); highest among the groups gnomAD compares: Non-Finnish European, 0.05%; no homozygotes.

Submissions (8):

CeGaT Center for Human Genetics Tuebingen
Classification: Likely benign. Last evaluated: 2026-09-01. Review status: criteria provided, single submitter. Criteria: CeGaT Center For Human Genetics Tuebingen Variant Classification Criteria Version 2. Collection method: clinical testing. Allele origin: germline. Affected: yes. Observed: 1 variant allele.
Comment: FLNC: BP4, BS2

Labcorp Genetics (formerly Invitae), Labcorp
Classification: Likely benign for Distal myopathy with posterior leg and anterior hand involvement; Myofibrillar myopathy 5; Hypertrophic cardiomyopathy 26. Last evaluated: 2026-01-20. Review status: criteria provided, single submitter. Criteria: Invitae Variant Classification Sherloc (09022015). Collection method: clinical testing. Allele origin: germline.

Mayo Clinic Laboratories, Mayo Clinic
Classification: Likely benign. Last evaluated: 2025-09-16. Review status: criteria provided, single submitter. Criteria: ACMG Guidelines, 2015. Collection method: clinical testing. Allele origin: germline. Observed: 2 variant alleles.
Comment: BS1, BP4

Blueprint Genetics
Classification: Likely benign. Last evaluated: 2024-10-18. Review status: criteria provided, single submitter. Criteria: ACMG Guidelines, 2015. Collection method: clinical testing. Allele origin: germline.

CHEO Genetics Diagnostic Laboratory, Children's Hospital of Eastern Ontario
Classification: Likely benign for Cardiomyopathy. Last evaluated: 2021-11-01. Review status: criteria provided, single submitter. Criteria: ACMG Guidelines, 2015. Collection method: clinical testing. Allele origin: germline.

GeneDx
Classification: Likely benign. Last evaluated: 2020-06-12. Review status: criteria provided, single submitter. Criteria: GeneDx Variant Classification Process June 2021. Collection method: clinical testing. Allele origin: germline. Affected: yes.
Comment: Has not been previously published as pathogenic or benign to our knowledge

Ambry Genetics
Classification: Likely benign for Cardiovascular phenotype. Last evaluated: 2019-06-21. Review status: criteria provided, single submitter. Criteria: Ambry Variant Classification Scheme 2023. Collection method: clinical testing. Allele origin: germline.

PreventionGenetics, part of Exact Sciences
Classification: Likely benign. Review status: criteria provided, single submitter. Criteria: ACMG Guidelines, 2015. Collection method: clinical testing. Allele origin: germline.